The following is an entry in ClinVar:

ClinVar aggregate classification (germline): Uncertain significance (1 of 4 stars; one submission).

Allele frequency attached by ClinVar (database versions not stated): TOPMed below 0.00001.

Submission:

Labcorp Genetics (formerly Invitae), Labcorp
Classification: Uncertain significance. Last evaluated: 2022-11-08. Review status: criteria provided, single submitter. Criteria: Invitae Variant Classification Sherloc (09022015). Collection method: clinical testing. Allele origin: germline.
Comment: This sequence change replaces lysine, which is basic and polar, with arginine, which is basic and polar, at codon 1482 of the VCAN protein (p.Lys1482Arg). This variant is not present in population databases (gnomAD no frequency). This variant has not been reported in the literature in individuals affected with VCAN-related conditions. ClinVar contains an entry for this variant (Variation ID: 835900). Algorithms developed to predict the effect of missense changes on protein structure and function output the following: SIFT: "Tolerated"; PolyPhen-2: "Benign"; Align-GVGD: "Class C0". The arginine amino acid residue is found in multiple mammalian species, which suggests that this missense change does not adversely affect protein function. In summary, the available evidence is currently insufficient to determine the role of this variant in disease. Therefore, it has been classified as a Variant of Uncertain Significance.

NM_004385.5(VCAN):c.4445A>G (p.Lys1482Arg)

Genes: VCAN (versican; plus strand), VCAN-AS1 (VCAN antisense RNA 1; minus strand). Cytogenetic location: 5q14.3.
Variant type: single nucleotide variant.
Coding change: c.4445A>G on transcript NM_004385.5 (MANE Select); coding-DNA position 4445, A replaced by G.
Protein change: p.Lys1482Arg; replaces lysine 1482 with arginine.
Molecular consequence: missense variant. On other transcripts: intron variant (2).
Genome position (GRCh38, 1-based): chr5:83,537,448, A>G. VCF-style: chr5-83537448-A-G. GRCh37 (hg19) VCF-style: chr5-82833267-A-G.
Other names: c.1484A>G, p.Lys495Arg (NM_001164097.2); c.4004-8089A>G (NM_001164098.2); c.1043-8089A>G (NM_001126336.3); short protein forms K1482R, K495R.
Identifiers: ClinVar variation 835900 (VCV000835900.9), dbSNP rs1746766563, ClinGen allele CA360308271.